The following is an entry in ClinVar:

NM_057175.5(NAA15):c.1273_1276inv (p.Lys425_Glu426delinsLeuTer)

Gene: NAA15 (N-alpha-acetyltransferase 15, NatA auxiliary subunit; plus strand). Cytogenetic location: 4q31.1.
Variant type: Inversion.
Coding change: c.1273_1276inv on transcript NM_057175.5 (MANE Select).
Protein change: p.Lys425_Glu426delinsLeuTer.
Molecular consequence: nonsense.
Genome position: GRCh38 VCF-style: chr4-139359758-AAAG-CTTT. GRCh37 (hg19) VCF-style: chr4-140280912-AAAG-CTTT.
Other names: c.1273_1276inv, p.Lys425_Glu426delinsLeuTer (NM_001410842.1); c.1273_1276delinsCTTT (NM_057175.5).
Identifiers: ClinVar variation 4857220 (VCV004857220.1).

ClinVar aggregate classification (germline): Pathogenic (1 of 4 stars; one submission).

Conditions:
Intellectual developmental disorder, autosomal dominant 50, with behavioral abnormalities. Also called: MENTAL RETARDATION, AUTOSOMAL DOMINANT 50; Intellectual disability, autosomal dominant 50. Identifiers: MedGen C4540470, MONDO:0030916, OMIM 617787.

Submission:

Center for Human Genetics and Genomic Medicine, Uniklinik Rwth Aachen
Classification: Pathogenic for Intellectual developmental disorder, autosomal dominant 50, with behavioral abnormalities. Last evaluated: 2025-11-19. Review status: criteria provided, single submitter. Criteria: ACMG Guidelines, 2015. Collection method: clinical testing. Allele origin: de novo. Inheritance: Autosomal dominant inheritance. Affected: yes. Observed: 1 variant allele, 1 heterozygote.
Comment: To date, this variant has not been reported in the literature or in the ClinVar database. In the general population (gnomAD v4.1.0), it has not yet been detected (PM2_sup). The variant is a nonsense variant with a premature stop codon. This typically leads either to premature termination of translation or to “nonsense-mediated mRNA decay.” In both cases, the protein undergoes a loss of function. In the NAA15 gene, truncating variants are known to be pathogenetically relevant (Lyon et al., 2023) (PVS1).

Literature cited by the submitters: PubMed 37130971.